The following is an entry in ClinVar:

NM_001365715.1(LRCH3):c.1565C>T (p.Pro522Leu)

Gene: LRCH3 (leucine rich repeats and calponin homology domain containing 3; plus strand). Cytogenetic location: 3q29.
Variant type: single nucleotide variant.
Coding change: c.1565C>T on transcript NM_001365715.1 (MANE Select); coding-DNA position 1565, C replaced by T.
Protein change: p.Pro522Leu; replaces proline 522 with leucine.
Molecular consequence: missense variant. On other transcripts: non-coding transcript variant (1).
Genome position (GRCh38, 1-based): chr3:197,852,595, C>T. VCF-style: chr3-197852595-C-T. GRCh37 (hg19) VCF-style: chr3-197579466-C-T.
Other names: c.1565C>T, p.Pro522Leu (NM_001363887.1, NM_001365716.1, NM_001365717.1 and 3 more transcripts); short protein forms P522L.
Identifiers: ClinVar variation 3058854 (VCV003058854.2), dbSNP rs36078463, ClinGen allele CA2788397.

ClinVar aggregate classification (germline): Benign (0 of 4 stars; one submission).

Conditions:
LRCH3-related disorder. Also called: LRCH3-related condition.

Allele frequency attached by ClinVar (database versions not stated): ExAC 0.07638; gnomAD 0.08278; ESP Exome Variant Server 0.08488; TOPMed 0.08612; 1000 Genomes Project 30x 0.10290; 1000 Genomes Project 0.10523.
gnomAD v4.1: 123,575 of 1,613,334 alleles (7.7%); highest among the groups gnomAD compares: East Asian, 13%; 5,277 homozygotes.

Submission:

PreventionGenetics, part of Exact Sciences
Classification: Benign for LRCH3-related condition. Last evaluated: 2019-11-27. Review status: no assertion criteria provided. Collection method: clinical testing. Allele origin: germline.
Comment: This variant is classified as benign based on ACMG/AMP sequence variant interpretation guidelines (Richards et al. 2015 PMID: 25741868, with internal and published modifications).